The following is an entry in ClinVar:

ClinVar aggregate classification (germline): Pathogenic. Review status: criteria provided, multiple submitters, no conflicts (2 of 4 stars). 2 submissions from 2 submitters: Pathogenic (2). Last evaluated 2025-05-05.

Submissions (2):

Labcorp Genetics (formerly Invitae), Labcorp
Classification: Pathogenic. Last evaluated: 2025-05-05. Review status: criteria provided, single submitter. Criteria: Invitae Variant Classification Sherloc (09022015). Collection method: clinical testing. Allele origin: germline.
Comment: This sequence change creates a premature translational stop signal (p.Gln235*) in the DCX gene. It is expected to result in an absent or disrupted protein product. Loss-of-function variants in DCX are known to be pathogenic (PMID: 11175293, 23365099). This variant is not present in population databases (gnomAD no frequency). This premature translational stop signal has been observed in individual(s) with subcortical laminar heterotopia (PMID: 9618162). ClinVar contains an entry for this variant (Variation ID: 1712776). For these reasons, this variant has been classified as Pathogenic.

GeneDx
Classification: Pathogenic. Last evaluated: 2022-04-29. Review status: criteria provided, single submitter. Criteria: GeneDx Variant Classification Process June 2021. Collection method: clinical testing. Allele origin: germline. Affected: yes.
Comment: Nonsense variant predicted to result in protein truncation or nonsense mediated decay in a gene for which loss of function is a known mechanism of disease; Not observed at significant frequency in large population cohorts (gnomAD); This variant is associated with the following publications: (PMID: 25525159, 9618162, 23934111)

Literature cited by the submitters: PubMed 11175293 (cited by Labcorp Genetics (formerly Invitae), Labcorp); PubMed 23365099 (cited by Labcorp Genetics (formerly Invitae), Labcorp); PubMed 9618162 (cited by Labcorp Genetics (formerly Invitae), Labcorp).

NM_001195553.2(DCX):c.703C>T (p.Gln235Ter)

Gene: DCX (doublecortin; minus strand). Cytogenetic location: Xq23.
Variant type: single nucleotide variant.
Coding change: c.703C>T on transcript NM_001195553.2 (MANE Select); coding-DNA position 703, C replaced by T.
Protein change: p.Gln235Ter; replaces glutamine 235 with a stop codon.
Molecular consequence: nonsense.
Genome position (GRCh38, 1-based): chrX:111,400,992, G>A on the plus strand (C>T on the coding strand, the complement: DCX is on the minus strand). VCF-style: chrX-111400992-G-A. GRCh37 (hg19) VCF-style: chrX-110644220-G-A.
Other names: c.946C>T, p.Gln316Ter (NM_000555.3); c.703C>T, p.Gln235Ter (NM_001369370.1, NM_001369371.1, NM_001369372.1 and 6 more transcripts); short protein forms Q235*, Q316*.
Identifiers: ClinVar variation 1712776 (VCV001712776.3), dbSNP rs2524834596, ClinGen allele CA414245798.
Genomic context (GRCh38, chrX:111,400,992, plus strand): 5'-AACATGATCATCTAAGAATTTAGAAAAAACGGGAAAAGTACTTTGAAAAAGTACCTACCT[G>A]TTTTCCATCCAGAGTGTAGAGTTTTTTGACAACCCCGGTCTCCAGTTTGATGGCTTCTGT-3'